The following is an entry in ClinVar:

NM_001035235.4(SRA1):c.23C>T (p.Pro8Leu)

Gene: SRA1 (steroid receptor RNA activator 1; minus strand). Cytogenetic location: 5q31.3.
Variant type: single nucleotide variant.
Coding change: c.23C>T on transcript NM_001035235.4 (MANE Select); coding-DNA position 23, C replaced by T.
Protein change: p.Pro8Leu; replaces proline 8 with leucine.
Molecular consequence: missense variant. On other transcripts: non-coding transcript variant (2).
Genome position (GRCh38, 1-based): chr5:140,557,430, G>A on the plus strand (C>T on the coding strand, the complement: SRA1 is on the minus strand). VCF-style: chr5-140557430-G-A. GRCh37 (hg19) VCF-style: chr5-139937015-G-A.
Other names: c.23C>T, p.Pro8Leu (NM_001253764.2); short protein forms P8L.
Identifiers: ClinVar variation 2136337 (VCV002136337.5), dbSNP rs771291291, ClinGen allele CA3440815.
Genomic context (GRCh38, chr5:140,557,430, plus strand): 5'-CGCCCCCAGCCTAGGCCGGGGCGACAACCTAGTGCCCTAGCCCGCCGGCTGCGCTCACCC[G>A]GCTTCACGTACAGCTCCGCCATCTCCACTTCCGCTTGGCCAGCGGGGCAGCGCGTCATTT-3'
Protein context (NP_001030312.3, residues 1-18): MAELYVK[Pro8Leu]GNKERGWNDP

ClinVar aggregate classification (germline): Uncertain significance (1 of 4 stars; one submission).

Allele frequency attached by ClinVar (database versions not stated): ExAC 0.00042.
gnomAD v4.1: 91 of 1,571,256 alleles (0.0058%); highest among the groups gnomAD compares: Middle Eastern, 0.066%; 1 homozygote.

Submissions (2):

Labcorp Genetics (formerly Invitae), Labcorp
Classification: Uncertain significance. Last evaluated: 2022-11-22. Review status: criteria provided, single submitter. Criteria: Invitae Variant Classification Sherloc (09022015). Collection method: clinical testing. Allele origin: germline.
Comment: Algorithms developed to predict the effect of missense changes on protein structure and function are either unavailable or do not agree on the potential impact of this missense change (SIFT: "Deleterious"; PolyPhen-2: "Probably Damaging"; Align-GVGD: "Class C0"). This missense change has been observed in individual(s) with clinical features of SRA1-related conditions (PMID: 27086651). This variant is present in population databases (rs771291291, gnomAD 0.02%). This sequence change replaces proline, which is neutral and non-polar, with leucine, which is neutral and non-polar, at codon 20 of the SRA1 protein (p.Pro20Leu). In summary, the available evidence is currently insufficient to determine the role of this variant in disease. Therefore, it has been classified as a Variant of Uncertain Significance.

Dr. Peter K. Rogan Lab, Western University
No classification provided (evidence only). Condition: Colon adenocarcinoma. Review status: no classification provided. Collection method: in vitro. Allele origin: not applicable. Functional consequence: retained intron. Not counted in ClinVar's aggregate classification.

Literature cited by the submitters: PubMed 27086651 (cited by Labcorp Genetics (formerly Invitae), Labcorp).